The following is an entry in ClinVar:

ClinVar aggregate classification (germline): Likely pathogenic (1 of 4 stars; one submission).

Submission:

Labcorp Genetics (formerly Invitae), Labcorp
Classification: Likely pathogenic. Last evaluated: 2025-05-05. Review status: criteria provided, single submitter. Criteria: Invitae Variant Classification Sherloc (09022015). Collection method: clinical testing. Allele origin: germline.
Comment: This variant results in the deletion of part of exon 9 of the BEST1 gene. It is expected to disrupt RNA splicing. Variants that disrupt the donor or acceptor splice site typically lead to a loss of protein function (PMID: 16199547), and loss-of-function variants in BEST1 are known to be pathogenic (PMID: 21825197). This variant is not present in population databases (gnomAD no frequency). This variant has not been reported in the literature in individuals affected with BEST1-related conditions. In summary, the currently available evidence indicates that the variant is pathogenic, but additional data are needed to prove that conclusively. Therefore, this variant has been classified as Likely Pathogenic.

Literature cited by the submitters: PubMed 16199547; PubMed 21825197.

NM_004183.4(BEST1):c.949-5_951del

Gene: BEST1 (bestrophin 1; plus strand). Cytogenetic location: 11q12.3.
Variant type: Deletion.
Coding change: c.949-5_951del on transcript NM_004183.4 (MANE Select); 5 bases into the intron before coding-DNA position 949 through coding-DNA position 951, 8 bases deleted (ACCAGGTG; older notation c.949-5_951delACCAGGTG).
Molecular consequence: splice acceptor variant.
Genome position (GRCh38, 1-based): chr11:61,959,887-61,959,894, ACCAGGTG deleted; deleting any 8 consecutive bases within chr11:61,959,883-61,959,894 gives the same sequence; the c. name uses the placement nearest the transcript's 3' end. VCF-style (leftmost placement, unchanged base first): chr11-61959882-TGGTGACCA-T. GRCh37 (hg19) VCF-style: chr11-61727354-TGGTGACCA-T.
Other names: c.1152-5_1154del (NM_001363592.2); c.949-5_951del (NM_001440571.1); c.868-5_870del (NM_001440572.1); c.796-5_798del (NM_001440573.1); c.769-5_771del (NM_001139443.3, NM_001300787.2); c.688-5_690del (NM_001440574.1, NM_001300786.2); c.616-5_618del (NM_001440575.1); c.535-5_537del (NM_001440576.1); and 2 more.
Identifiers: ClinVar variation 4719008 (VCV004719008.1).
Genomic context (GRCh38, chr11:61,959,882, plus strand): 5'-TCATCAGGCACATACAAGGTCCTGCCTGGGATGATCTTTCTGTGGGACTTCTTCTGTCCC[TGGTGACCA>T]GGTGTCCCTGTTGGCTGTGGATGAGATGCACCAGGACCTGCCTCGGATGGAGCCGGACAT-3'